The following is an entry in ClinVar:

NM_206933.4(USH2A):c.1231G>T (p.Asp411Tyr)

Gene: USH2A (usherin; minus strand). Cytogenetic location: 1q41.
Variant type: single nucleotide variant.
Coding change: c.1231G>T on transcript NM_206933.4 (MANE Select); coding-DNA position 1231, G replaced by T.
Protein change: p.Asp411Tyr; replaces aspartic acid 411 with tyrosine.
Molecular consequence: missense variant.
Genome position (GRCh38, 1-based): chr1:216,324,265, C>A on the plus strand (G>T on the coding strand, the complement: USH2A is on the minus strand). VCF-style: chr1-216324265-C-A. GRCh37 (hg19) VCF-style: chr1-216497607-C-A.
Other names: c.1231G>T, p.Asp411Tyr (NM_007123.6); short protein forms D411Y.
Identifiers: ClinVar variation 1380878 (VCV001380878.8), dbSNP rs1407219490, ClinGen allele CA344911736.

ClinVar aggregate classification (germline): Uncertain significance (1 of 4 stars; one submission).

Allele frequency attached by ClinVar (database versions not stated): gnomAD 0.00001; TOPMed 0.00001.
gnomAD v4.1: 2 of 1,613,164 alleles (0.00012%); highest among the groups gnomAD compares: African/African-American, 0.0027%; no homozygotes.

Submission:

Labcorp Genetics (formerly Invitae), Labcorp
Classification: Uncertain significance. Last evaluated: 2025-05-05. Review status: criteria provided, single submitter. Criteria: Invitae Variant Classification Sherloc (09022015). Collection method: clinical testing. Allele origin: germline.
Comment: This sequence change replaces aspartic acid, which is acidic and polar, with tyrosine, which is neutral and polar, at codon 411 of the USH2A protein (p.Asp411Tyr). This variant is present in population databases (no rsID available, gnomAD 0.02%). This variant has not been reported in the literature in individuals affected with USH2A-related conditions. ClinVar contains an entry for this variant (Variation ID: 1380878). Invitae Evidence Modeling of protein sequence and biophysical properties (such as structural, functional, and spatial information, amino acid conservation, physicochemical variation, residue mobility, and thermodynamic stability) indicates that this missense variant is expected to disrupt USH2A protein function with a positive predictive value of 95%. In summary, the available evidence is currently insufficient to determine the role of this variant in disease. Therefore, it has been classified as a Variant of Uncertain Significance.